The following is an entry in ClinVar:

NM_005732.4(RAD50):c.3517G>A (p.Val1173Ile)

Genes: TH2-LCR (Th2 cytokine locus control region; plus strand), TH2LCRR (T helper type 2 locus control region associated RNA; minus strand), RAD50 (RAD50 double strand break repair protein; plus strand). Cytogenetic location: 5q31.1.
Variant type: single nucleotide variant.
Coding change: c.3517G>A on transcript NM_005732.4 (MANE Select); coding-DNA position 3517, G replaced by A.
Protein change: p.Val1173Ile; replaces valine 1173 with isoleucine.
Molecular consequence: missense variant. On other transcripts: non-coding transcript variant (2).
Genome position (GRCh38, 1-based): chr5:132,638,122, G>A. VCF-style: chr5-132638122-G-A. GRCh37 (hg19) VCF-style: chr5-131973814-G-A.
Other names: short protein forms V1173I.
Identifiers: ClinVar variation 640750 (VCV000640750.14), dbSNP rs1581021104, ClinGen allele CA360931327.
Genomic context (GRCh38, chr5:132,638,122, plus strand): 5'-ATTCTTCTTCCTGTGTCAGATATTGAATACATAGAAATACGGTCTGATGCCGATGAAAAT[G>A]TATCAGCTTCTGATAAAAGGCGGAATTATAACTACCGAGTGGTGATGCTGAAGGGAGACA-3'
Protein context (NP_005723.2, residues 1163-1183): IEIRSDADEN[Val1173Ile]SASDKRRNYN

ClinVar aggregate classification (germline): Uncertain significance. Review status: criteria provided, multiple submitters, no conflicts (2 of 4 stars). 2 submissions from 2 submitters: Uncertain significance (2). Last evaluated 2025-05-29.

Conditions:
Hereditary cancer-predisposing syndrome. Also called: Neoplastic Syndromes, Hereditary; Tumor predisposition; Hereditary Cancer Syndrome; Hereditary neoplastic syndrome. Identifiers: Orphanet 140162, MedGen C0027672, MeSH D009386, MONDO:0015356.

Submissions (2):

Ambry Genetics
Classification: Uncertain significance for Hereditary cancer-predisposing syndrome. Last evaluated: 2025-05-29. Review status: criteria provided, single submitter. Criteria: Ambry Variant Classification Scheme 2023. Collection method: clinical testing. Allele origin: germline.
Comment: The p.V1173I variant (also known as c.3517G>A), located in coding exon 23 of the RAD50 gene, results from a G to A substitution at nucleotide position 3517. The valine at codon 1173 is replaced by isoleucine, an amino acid with highly similar properties. This amino acid position is not well conserved in available vertebrate species. In addition, this alteration is predicted to be tolerated by in silico analysis. Since supporting evidence is limited at this time, the clinical significance of this alteration remains unclear.

Labcorp Genetics (formerly Invitae), Labcorp
Classification: Uncertain significance for Hereditary cancer-predisposing syndrome. Last evaluated: 2023-09-04. Review status: criteria provided, single submitter. Criteria: Invitae Variant Classification Sherloc (09022015). Collection method: clinical testing. Allele origin: germline.
Comment: In summary, the available evidence is currently insufficient to determine the role of this variant in disease. Therefore, it has been classified as a Variant of Uncertain Significance. Algorithms developed to predict the effect of missense changes on protein structure and function output the following: SIFT: "Not Available"; PolyPhen-2: "Benign"; Align-GVGD: "Not Available". The isoleucine amino acid residue is found in multiple mammalian species, which suggests that this missense change does not adversely affect protein function. ClinVar contains an entry for this variant (Variation ID: 640750). This variant has not been reported in the literature in individuals affected with RAD50-related conditions. This variant is not present in population databases (gnomAD no frequency). This sequence change replaces valine, which is neutral and non-polar, with isoleucine, which is neutral and non-polar, at codon 1173 of the RAD50 protein (p.Val1173Ile).